The following is an entry in ClinVar:

NM_000487.6(ARSA):c.379C>T (p.His127Tyr)

Gene: ARSA (arylsulfatase A; minus strand). Cytogenetic location: 22q13.33.
Variant type: single nucleotide variant.
Coding change: c.379C>T on transcript NM_000487.6 (MANE Select); coding-DNA position 379, C replaced by T.
Protein change: p.His127Tyr; replaces histidine 127 with tyrosine.
Molecular consequence: missense variant.
Genome position (GRCh38, 1-based): chr22:50,627,252, G>A on the plus strand (C>T on the coding strand, the complement: ARSA is on the minus strand). VCF-style: chr22-50627252-G-A. GRCh37 (hg19) VCF-style: chr22-51065680-G-A.
Other names: c.379C>T, p.His127Tyr (NM_001085425.3, NM_001085426.3, NM_001085427.3); c.121C>T, p.His41Tyr (NM_001085428.3, NM_001362782.2); short protein forms H127Y, H41Y.
Identifiers: ClinVar variation 4850939 (VCV004850939.1).

ClinVar aggregate classification (germline): Likely pathogenic (0 of 4 stars; one submission).

Conditions:
Metachromatic leukodystrophy (MLD). Also called: ARSA DEFICIENCY; CEREBROSIDE SULFATASE DEFICIENCY; METACHROMATIC LEUKOENCEPHALOPATHY; SULFATIDE LIPIDOSIS; Cerebral sclerosis diffuse metachromatic form; Arylsulfatase A Deficiency. Identifiers: Orphanet 512, MedGen C0023522, MONDO:0018868, OMIM 250100.

Submission:

Laboratory of Experimental Gene Therapy of Hereditary Metabolic Diseases, Research Centre for Medical Genetics
Classification: Likely pathogenic for Metachromatic leukodystrophy. Last evaluated: 2026-04-08. Review status: no assertion criteria provided. Collection method: clinical testing. Allele origin: germline. Affected: yes. Observed: 1 variant allele.
Comment: PM2, PP3, PM1, PP2, PP4